The following is an entry in ClinVar:

ClinVar aggregate classification (germline): Uncertain significance (1 of 4 stars; one submission).

gnomAD v4.1: 4 of 1,604,188 alleles (0.00025%); highest among the groups gnomAD compares: Non-Finnish European, 0.00034%; no homozygotes.

Submission:

GeneDx
Classification: Uncertain significance. Last evaluated: 2024-01-09. Review status: criteria provided, single submitter. Criteria: GeneDx Variant Classification Process June 2021. Collection method: clinical testing. Allele origin: germline. Affected: yes.
Comment: Not observed at significant frequency in large population cohorts (gnomAD); In silico analysis supports that this missense variant does not alter protein structure/function; Has not been previously published as pathogenic or benign to our knowledge

NM_022893.4(BCL11A):c.1453G>A (p.Glu485Lys)

Gene: BCL11A (BCL11 transcription factor A; minus strand). Cytogenetic location: 2p16.1.
Variant type: single nucleotide variant.
Coding change: c.1453G>A on transcript NM_022893.4 (MANE Select); coding-DNA position 1453, G replaced by A.
Protein change: p.Glu485Lys; replaces glutamic acid 485 with lysine.
Molecular consequence: missense variant. On other transcripts: intron variant (6).
Genome position (GRCh38, 1-based): chr2:60,461,459, C>T on the plus strand (G>A on the coding strand, the complement: BCL11A is on the minus strand). VCF-style: chr2-60461459-C-T. GRCh37 (hg19) VCF-style: chr2-60688594-C-T.
Other names: c.1351G>A, p.Glu451Lys (NM_001363864.1, NM_001365609.1, NM_001405711.1 and 2 more transcripts); c.1453G>A, p.Glu485Lys (NM_001405708.1, NM_001405709.1, NM_001405710.1 and 1 more transcripts); c.1297G>A, p.Glu433Lys (NM_001405713.1, NM_001405714.1, NM_001405715.1 and 3 more transcripts); c.1195G>A, p.Glu399Lys (NM_001405717.1, NM_001405718.1, NM_001405724.1); c.1120G>A, p.Glu374Lys (NM_001405720.1, NM_001405721.1); c.997G>A, p.Glu333Lys (NM_001405725.1, NM_001405726.1, NM_001405727.1 and 1 more transcripts); c.760G>A, p.Glu254Lys (NM_001405729.1); c.916G>A, p.Glu306Lys (NM_001405730.1); and 5 more; short protein forms E154K, E254K, E306K, E333K, E374K, E399K, E433K, E451K.
Identifiers: ClinVar variation 3367759 (VCV003367759.1).